The following is an entry in ClinVar:

NM_001291303.3(FAT4):c.1634C>T (p.Ala545Val)

Gene: FAT4 (FAT atypical cadherin 4; plus strand). Cytogenetic location: 4q28.1.
Variant type: single nucleotide variant.
Coding change: c.1634C>T on transcript NM_001291303.3 (MANE Select); coding-DNA position 1634, C replaced by T.
Protein change: p.Ala545Val; replaces alanine 545 with valine.
Molecular consequence: missense variant.
Genome position (GRCh38, 1-based): chr4:125,318,045, C>T. VCF-style: chr4-125318045-C-T. GRCh37 (hg19) VCF-style: chr4-126239200-C-T.
Other names: c.1634C>T, p.Ala545Val (NM_001291285.3, NM_024582.6); short protein forms A545V.
Identifiers: ClinVar variation 1957790 (VCV001957790.2), dbSNP rs765373397, ClinGen allele CA3072023.

ClinVar aggregate classification (germline): Uncertain significance (1 of 4 stars; one submission).

Allele frequency attached by ClinVar (database versions not stated): gnomAD exomes below 0.00001; ExAC 0.00002.
gnomAD v4.1: 6 of 1,614,180 alleles (0.00037%); highest among the groups gnomAD compares: East Asian, 0.0089%; no homozygotes.

Submission:

Labcorp Genetics (formerly Invitae), Labcorp
Classification: Uncertain significance. Last evaluated: 2022-08-04. Review status: criteria provided, single submitter. Criteria: Invitae Variant Classification Sherloc (09022015). Collection method: clinical testing. Allele origin: germline.
Comment: This sequence change replaces alanine, which is neutral and non-polar, with valine, which is neutral and non-polar, at codon 545 of the FAT4 protein (p.Ala545Val). This variant is present in population databases (rs765373397, gnomAD 0.02%). This variant has not been reported in the literature in individuals affected with FAT4-related conditions. Advanced modeling of protein sequence and biophysical properties (such as structural, functional, and spatial information, amino acid conservation, physicochemical variation, residue mobility, and thermodynamic stability) performed at Invitae indicates that this missense variant is not expected to disrupt FAT4 protein function. In summary, the available evidence is currently insufficient to determine the role of this variant in disease. Therefore, it has been classified as a Variant of Uncertain Significance.